The following is an entry in ClinVar:

ClinVar aggregate classification (germline): Uncertain significance (1 of 4 stars; one submission).

gnomAD v4.1: 3 of 1,611,498 alleles (0.00019%); no homozygotes.

Submission:

Labcorp Genetics (formerly Invitae), Labcorp
Classification: Uncertain significance. Last evaluated: 2022-08-30. Review status: criteria provided, single submitter. Criteria: Invitae Variant Classification Sherloc (09022015). Collection method: clinical testing. Allele origin: germline.
Comment: This sequence change replaces glycine, which is neutral and non-polar, with aspartic acid, which is acidic and polar, at codon 904 of the CTR9 protein (p.Gly904Asp). This variant is present in population databases (no rsID available, gnomAD 0.004%). This variant has not been reported in the literature in individuals affected with CTR9-related conditions. Algorithms developed to predict the effect of missense changes on protein structure and function are either unavailable or do not agree on the potential impact of this missense change (SIFT: "Deleterious"; PolyPhen-2: "Possibly Damaging"; Align-GVGD: "Class C0"). In summary, the available evidence is currently insufficient to determine the role of this variant in disease. Therefore, it has been classified as a Variant of Uncertain Significance.

NM_014633.5(CTR9):c.2711G>A (p.Gly904Asp)

Gene: CTR9 (CTR9 component of Paf1/RNA polymerase II complex; plus strand). Cytogenetic location: 11p15.4.
Variant type: single nucleotide variant.
Coding change: c.2711G>A on transcript NM_014633.5 (MANE Select); coding-DNA position 2711, G replaced by A.
Protein change: p.Gly904Asp; replaces glycine 904 with aspartic acid.
Molecular consequence: missense variant.
Genome position (GRCh38, 1-based): chr11:10,773,257, G>A. VCF-style: chr11-10773257-G-A. GRCh37 (hg19) VCF-style: chr11-10794804-G-A.
Other names: c.2639G>A, p.Gly880Asp (NM_001346279.2); short protein forms G880D, G904D.
Identifiers: ClinVar variation 1713636 (VCV001713636.5), dbSNP rs1173379818, ClinGen allele CA379677003.